The following is an entry in ClinVar:

ClinVar aggregate classification (germline): Uncertain significance (1 of 4 stars; one submission).

gnomAD v4.1: 5 of 1,601,948 alleles (0.00031%); highest among the groups gnomAD compares: Non-Finnish European, 0.00043%; no homozygotes.

Submission:

GeneDx
Classification: Uncertain significance. Last evaluated: 2026-02-24. Review status: criteria provided, single submitter. Criteria: GeneDx Variant Classification Process June 2021. Collection method: clinical testing. Allele origin: germline.
Comment: Not observed at significant frequency in large population cohorts (gnomAD); In silico analysis suggests that this missense variant does not alter protein structure/function; Has not been previously published as pathogenic or benign to our knowledge

NM_000170.3(GLDC):c.2858C>G (p.Thr953Ser)

Gene: GLDC (glycine decarboxylase; minus strand). Cytogenetic location: 9p24.1.
Variant type: single nucleotide variant.
Coding change: c.2858C>G on transcript NM_000170.3 (MANE Select); coding-DNA position 2858, C replaced by G.
Protein change: p.Thr953Ser; replaces threonine 953 with serine.
Molecular consequence: missense variant.
Genome position (GRCh38, 1-based): chr9:6,534,769, G>C on the plus strand (C>G on the coding strand, the complement: GLDC is on the minus strand). VCF-style: chr9-6534769-G-C. GRCh37 (hg19) VCF-style: chr9-6534769-G-C.
Other names: short protein forms T953S.
Identifiers: ClinVar variation 5009706 (VCV005009706.1).